The following is an entry in ClinVar:

ClinVar aggregate classification (germline): Uncertain significance (0 of 4 stars; one submission).

Conditions:
PLXNA3-related disorder. Also called: PLXNA3-related condition.

Submission:

PreventionGenetics, part of Exact Sciences
Classification: Uncertain significance for PLXNA3-related condition. Last evaluated: 2023-12-14. Review status: no assertion criteria provided. Collection method: clinical testing. Allele origin: germline.
Comment: The PLXNA3 c.1835C>T variant is predicted to result in the amino acid substitution p.Thr612Ile. To our knowledge, this variant has not been reported in the literature or in a large population database, indicating this variant is rare. At this time, the clinical significance of this variant is uncertain due to the absence of conclusive functional and genetic evidence.

NM_017514.5(PLXNA3):c.1835C>T (p.Thr612Ile)

Gene: PLXNA3 (plexin A3; plus strand). Cytogenetic location: Xq28.
Variant type: single nucleotide variant.
Coding change: c.1835C>T on transcript NM_017514.5 (MANE Select); coding-DNA position 1835, C replaced by T.
Protein change: p.Thr612Ile; replaces threonine 612 with isoleucine.
Molecular consequence: missense variant.
Genome position (GRCh38, 1-based): chrX:154,464,408, C>T. VCF-style: chrX-154464408-C-T. GRCh37 (hg19) VCF-style: chrX-153692751-C-T.
Other names: short protein forms T612I.
Identifiers: ClinVar variation 3348642 (VCV003348642.1).